The following is an entry in ClinVar:

NM_024334.3(TMEM43):c.609C>G (p.Phe203Leu)

Gene: TMEM43 (transmembrane protein 43; plus strand). Cytogenetic location: 3p25.1.
Variant type: single nucleotide variant.
Coding change: c.609C>G on transcript NM_024334.3 (MANE Select); coding-DNA position 609, C replaced by G.
Protein change: p.Phe203Leu; replaces phenylalanine 203 with leucine.
Molecular consequence: missense variant.
Genome position (GRCh38, 1-based): chr3:14,134,795, C>G. VCF-style: chr3-14134795-C-G. GRCh37 (hg19) VCF-style: chr3-14176295-C-G.
Other names: c.612C>G, p.Phe204Leu (NM_001407274.1); c.609C>G, p.Phe203Leu (NM_001407275.1, NM_001407276.1, NM_001407277.1 and 1 more transcripts); c.594C>G, p.Phe198Leu (NM_001407278.1); c.459C>G, p.Phe153Leu (NM_001407280.1); short protein forms F203L, F204L, F153L, F198L.
Identifiers: ClinVar variation 3808341 (VCV003808341.1).

ClinVar aggregate classification (germline): Uncertain significance (1 of 4 stars; one submission).

Conditions:
Cardiovascular phenotype. Identifiers: MedGen CN230736.

Submission:

Ambry Genetics
Classification: Uncertain significance for Cardiovascular phenotype. Last evaluated: 2025-01-21. Review status: criteria provided, single submitter. Criteria: Ambry Variant Classification Scheme 2023. Collection method: clinical testing. Allele origin: germline.
Comment: The p.F203L variant (also known as c.609C>G), located in coding exon 8 of the TMEM43 gene, results from a C to G substitution at nucleotide position 609. The phenylalanine at codon 203 is replaced by leucine, an amino acid with highly similar properties. This amino acid position is conserved. In addition, the in silico prediction for this alteration is inconclusive. Based on the available evidence, the clinical significance of this variant remains unclear.